The following is an entry in ClinVar:

NM_001414.4(EIF2B1):c.532G>C (p.Val178Leu)

Gene: EIF2B1 (eukaryotic translation initiation factor 2B subunit alpha; minus strand). Cytogenetic location: 12q24.31.
Variant type: single nucleotide variant.
Coding change: c.532G>C on transcript NM_001414.4 (MANE Select); coding-DNA position 532, G replaced by C.
Protein change: p.Val178Leu; replaces valine 178 with leucine.
Molecular consequence: missense variant.
Genome position (GRCh38, 1-based): chr12:123,626,444, C>G on the plus strand (G>C on the coding strand, the complement: EIF2B1 is on the minus strand). VCF-style: chr12-123626444-C-G. GRCh37 (hg19) VCF-style: chr12-124110991-C-G.
Other names: short protein forms V178L.
Identifiers: ClinVar variation 2178158 (VCV002178158.1), dbSNP rs767097089, ClinGen allele CA6860067.
Genomic context (GRCh38, chr12:123,626,444, plus strand): 5'-GGTGGGGGAGGTGATTATGGCTGGGGAAGATGGGCACTCACCCGACAGCAGCATCTAGCA[C>G]CACAGTGACAGGGACGTTGAGGTGGCAGAGGGCTTTGGCCATTTTCTTACTGAAGATGAC-3'
Protein context (NP_001405.1, residues 168-188): LCHLNVPVTV[Val178Leu]LDAAVGYIME

ClinVar aggregate classification (germline): Uncertain significance (1 of 4 stars; one submission).

Allele frequency attached by ClinVar (database versions not stated): gnomAD 0.00001; ExAC 0.00002; TOPMed 0.00003.
gnomAD v4.1: 9 of 1,613,992 alleles (0.00056%); highest among the groups gnomAD compares: Admixed American, 0.013%; no homozygotes.

Submission:

Labcorp Genetics (formerly Invitae), Labcorp
Classification: Uncertain significance. Last evaluated: 2022-03-12. Review status: criteria provided, single submitter. Criteria: Invitae Variant Classification Sherloc (09022015). Collection method: clinical testing. Allele origin: germline.
Comment: This sequence change replaces valine, which is neutral and non-polar, with leucine, which is neutral and non-polar, at codon 178 of the EIF2B1 protein (p.Val178Leu). This variant is present in population databases (rs767097089, gnomAD 0.02%). This variant has not been reported in the literature in individuals affected with EIF2B1-related conditions. Algorithms developed to predict the effect of missense changes on protein structure and function are either unavailable or do not agree on the potential impact of this missense change (SIFT: "Deleterious"; PolyPhen-2: "Benign"; Align-GVGD: "Class C0"). In summary, the available evidence is currently insufficient to determine the role of this variant in disease. Therefore, it has been classified as a Variant of Uncertain Significance.